The following is an entry in ClinVar:

NM_001382391.1(CSPP1):c.844G>T (p.Val282Leu)

Gene: CSPP1 (centrosome and spindle pole associated protein 1; plus strand). Cytogenetic location: 8q13.1.
Variant type: single nucleotide variant.
Coding change: c.844G>T on transcript NM_001382391.1 (MANE Select); coding-DNA position 844, G replaced by T.
Protein change: p.Val282Leu; replaces valine 282 with leucine.
Molecular consequence: missense variant. On other transcripts: 5 prime UTR variant (1).
Genome position (GRCh38, 1-based): chr8:67,095,653, G>T. VCF-style: chr8-67095653-G-T. GRCh37 (hg19) VCF-style: chr8-68007888-G-T.
Other names: c.-12G>T (NM_001291339.2); c.763G>T, p.Val255Leu (NM_001363131.2, NM_001363133.2); c.844G>T, p.Val282Leu (NM_001363132.2); c.952G>T, p.Val318Leu (NM_001364869.1); c.871G>T, p.Val291Leu (NM_001364870.1, NM_024790.7); short protein forms V255L, V282L, V291L, V318L.
Identifiers: ClinVar variation 1021714 (VCV001021714.8), dbSNP rs1812594373, ClinGen allele CA371191373.

ClinVar aggregate classification (germline): Uncertain significance (1 of 4 stars; one submission).

Conditions:
Joubert syndrome 21 (JBTS21). Identifiers: MedGen C3810212, MONDO:0014288, OMIM 615636.

Submission:

Labcorp Genetics (formerly Invitae), Labcorp
Classification: Uncertain significance for Joubert syndrome 21. Last evaluated: 2022-07-25. Review status: criteria provided, single submitter. Criteria: Invitae Variant Classification Sherloc (09022015). Collection method: clinical testing. Allele origin: germline.
Comment: This variant has not been reported in the literature in individuals affected with CSPP1-related conditions. In summary, the available evidence is currently insufficient to determine the role of this variant in disease. Therefore, it has been classified as a Variant of Uncertain Significance. Algorithms developed to predict the effect of sequence changes on RNA splicing suggest that this variant may disrupt the consensus splice site. Algorithms developed to predict the effect of missense changes on protein structure and function (SIFT, PolyPhen-2, Align-GVGD) all suggest that this variant is likely to be tolerated. ClinVar contains an entry for this variant (Variation ID: 1021714). This variant is not present in population databases (gnomAD no frequency). This sequence change replaces valine, which is neutral and non-polar, with leucine, which is neutral and non-polar, at codon 291 of the CSPP1 protein (p.Val291Leu).